The following is an entry in ClinVar:

NM_014141.6(CNTNAP2):c.662G>A (p.Ser221Asn)

Gene: CNTNAP2 (contactin associated protein 2; plus strand). Cytogenetic location: 7q35.
Variant type: single nucleotide variant.
Coding change: c.662G>A on transcript NM_014141.6 (MANE Select); coding-DNA position 662, G replaced by A.
Protein change: p.Ser221Asn; replaces serine 221 with asparagine.
Molecular consequence: missense variant.
Genome position (GRCh38, 1-based): chr7:147,108,258, G>A. VCF-style: chr7-147108258-G-A. GRCh37 (hg19) VCF-style: chr7-146805350-G-A.
Other names: c.662G>A (NM_014141.5); short protein forms S221N.
Identifiers: ClinVar variation 2202401 (VCV002202401.2), dbSNP rs1800806184, ClinGen allele CA369923171.
Genomic context (GRCh38, chr7:147,108,258, plus strand): 5'-GAAACAAGAAGATGAAAACACTGAAAGATGTCATTGCCTTGAACTTTAAGACGTCTGAAA[G>A]TGAAGGAGTAATCCTGCACGGAGAAGGACAGCAAGGAGATTACATTACCTTGGAACTGAA-3'
Protein context (NP_054860.1, residues 211-231): VIALNFKTSE[Ser221Asn]EGVILHGEGQ

ClinVar aggregate classification (germline): Uncertain significance. Review status: criteria provided, multiple submitters, no conflicts (2 of 4 stars). 2 submissions from 2 submitters: Uncertain significance (2). Last evaluated 2025-11-19.

Conditions:
Inborn genetic diseases. Identifiers: MedGen C0950123, MeSH D030342.
Cortical dysplasia-focal epilepsy syndrome (PTHSL1). Also called: Pitt-Hopkins-like syndrome 1. Identifiers: Orphanet 163681, Orphanet 221150, MedGen C2750246, MONDO:0012400, OMIM 610042.

Allele frequency attached by ClinVar (database versions not stated): gnomAD exomes below 0.00001; TOPMed 0.00002.
gnomAD v4.1: 2 of 1,613,788 alleles (0.00012%); highest among the groups gnomAD compares: African/African-American, 0.0027%; no homozygotes.

Submissions (2):

Ambry Genetics
Classification: Uncertain significance for Inborn genetic diseases. Last evaluated: 2025-11-19. Review status: criteria provided, single submitter. Criteria: Ambry Variant Classification Scheme 2023. Collection method: clinical testing. Allele origin: germline.

Labcorp Genetics (formerly Invitae), Labcorp
Classification: Uncertain significance for Cortical dysplasia-focal epilepsy syndrome. Last evaluated: 2022-09-27. Review status: criteria provided, single submitter. Criteria: Invitae Variant Classification Sherloc (09022015). Collection method: clinical testing. Allele origin: germline.
Comment: This sequence change replaces serine, which is neutral and polar, with asparagine, which is neutral and polar, at codon 221 of the CNTNAP2 protein (p.Ser221Asn). This variant is not present in population databases (gnomAD no frequency). This variant has not been reported in the literature in individuals affected with CNTNAP2-related conditions. Algorithms developed to predict the effect of missense changes on protein structure and function (SIFT, PolyPhen-2, Align-GVGD) all suggest that this variant is likely to be tolerated. In summary, the available evidence is currently insufficient to determine the role of this variant in disease. Therefore, it has been classified as a Variant of Uncertain Significance.